The following is an entry in ClinVar:

NM_002693.3(POLG):c.2144A>G (p.Gln715Arg)

Gene: POLG (DNA polymerase gamma, catalytic subunit; minus strand). Cytogenetic location: 15q26.1.
Variant type: single nucleotide variant.
Coding change: c.2144A>G on transcript NM_002693.3 (MANE Select); coding-DNA position 2144, A replaced by G.
Protein change: p.Gln715Arg; replaces glutamine 715 with arginine.
Molecular consequence: missense variant.
Genome position (GRCh38, 1-based): chr15:89,323,828, T>C on the plus strand (A>G on the coding strand, the complement: POLG is on the minus strand). VCF-style: chr15-89323828-T-C. GRCh37 (hg19) VCF-style: chr15-89867059-T-C.
Other names: c.2144A>G, p.Gln715Arg (NM_001126131.2); short protein forms Q715R.
Identifiers: ClinVar variation 3667457 (VCV003667457.2).
Genomic context (GRCh38, chr15:89,323,828, plus strand): 5'-TTCCACCCAGCACCCACCTAGAGAACCCAAGCCGGCGCACTGCTCACCAGAGCTAGGGGT[T>C]GACCTGGCACTGCAGCTCGCAAGTTCTCCATCTTGGCCTCAGCCTCCACTTCTAAGTAAT-3'
Protein context (NP_002684.1, residues 705-725): MENLRAAVPG[Gln715Arg]PLALTARGGP

ClinVar aggregate classification (germline): Uncertain significance (1 of 4 stars; one submission).

Conditions:
Progressive sclerosing poliodystrophy (MTDPS4A). Also called: ALPERS PROGRESSIVE INFANTILE POLIODYSTROPHY; NEURONAL DEGENERATION OF CHILDHOOD WITH LIVER DISEASE, PROGRESSIVE; Alpers Syndrome; ALPERS DIFFUSE DEGENERATION OF CEREBRAL GRAY MATTER WITH HEPATIC CIRRHOSIS; Alpers-Huttenlocher Syndrome; Mitochondrial DNA depletion syndrome 4A (Alpers type). Identifiers: Orphanet 726, MedGen C0205710, MONDO:0008758, OMIM 203700.

gnomAD v4.1: 9 of 1,613,792 alleles (0.00056%); highest among the groups gnomAD compares: Non-Finnish European, 0.00068%; no homozygotes.

Submission:

Labcorp Genetics (formerly Invitae), Labcorp
Classification: Uncertain significance for Progressive sclerosing poliodystrophy. Last evaluated: 2025-04-10. Review status: criteria provided, single submitter. Criteria: Invitae Variant Classification Sherloc (09022015). Collection method: clinical testing. Allele origin: germline.
Comment: This sequence change replaces glutamine, which is neutral and polar, with arginine, which is basic and polar, at codon 715 of the POLG protein (p.Gln715Arg). This variant is not present in population databases (gnomAD no frequency). This variant has not been reported in the literature in individuals affected with POLG-related conditions. ClinVar contains an entry for this variant (Variation ID: 3667457). Invitae Evidence Modeling of protein sequence and biophysical properties (such as structural, functional, and spatial information, amino acid conservation, physicochemical variation, residue mobility, and thermodynamic stability) indicates that this missense variant is not expected to disrupt POLG protein function with a negative predictive value of 95%. In summary, the available evidence is currently insufficient to determine the role of this variant in disease. Therefore, it has been classified as a Variant of Uncertain Significance.